The following is an entry in ClinVar:

ClinVar aggregate classification (germline): Uncertain significance (1 of 4 stars; one submission).

Conditions:
Hereditary cancer-predisposing syndrome. Also called: Hereditary Cancer Syndrome; Hereditary neoplastic syndrome; Neoplastic Syndromes, Hereditary; Tumor predisposition. Identifiers: Orphanet 140162, MedGen C0027672, MeSH D009386, MONDO:0015356.

Submission:

Ambry Genetics
Classification: Uncertain significance for Hereditary cancer-predisposing syndrome. Last evaluated: 2021-03-03. Review status: criteria provided, single submitter. Criteria: Ambry Variant Classification Scheme 2023. Collection method: clinical testing. Allele origin: germline.
Comment: The p.P436T variant (also known as c.1306C>A), located in coding exon 8 of the KIT gene, results from a C to A substitution at nucleotide position 1306. The proline at codon 436 is replaced by threonine, an amino acid with highly similar properties. This amino acid position is highly conserved in available vertebrate species. In addition, the in silico prediction for this alteration is inconclusive. Since supporting evidence is limited at this time, the clinical significance of this alteration remains unclear.

NM_000222.3(KIT):c.1306C>A (p.Pro436Thr)

Gene: KIT (KIT proto-oncogene, receptor tyrosine kinase; plus strand). Cytogenetic location: 4q12.
Variant type: single nucleotide variant.
Coding change: c.1306C>A on transcript NM_000222.3 (MANE Select); coding-DNA position 1306, C replaced by A.
Protein change: p.Pro436Thr; replaces proline 436 with threonine.
Molecular consequence: missense variant.
Genome position (GRCh38, 1-based): chr4:54,723,658, C>A. VCF-style: chr4-54723658-C-A. GRCh37 (hg19) VCF-style: chr4-55589824-C-A.
Other names: c.1306C>A, p.Pro436Thr (NM_001093772.2, NM_001385285.1, NM_001385286.1); c.1309C>A, p.Pro437Thr (NM_001385284.1, NM_001385288.1, NM_001385290.1 and 1 more transcripts); short protein forms P436T, P437T.
Identifiers: ClinVar variation 1769523 (VCV001769523.2), dbSNP rs2109761141, ClinGen allele CA356905694.